The following is an entry in ClinVar:

NM_001165963.4(SCN1A):c.695-11C>T

Gene: SCN1A (sodium voltage-gated channel alpha subunit 1; minus strand). Cytogenetic location: 2q24.3.
Variant type: single nucleotide variant.
Coding change: c.695-11C>T on transcript NM_001165963.4 (MANE Select); 11 bases into the intron before coding-DNA position 695, C replaced by T.
Molecular consequence: intron variant.
Genome position (GRCh38, 1-based): chr2:166,051,999, G>A on the plus strand (C>T on the coding strand, the complement: SCN1A is on the minus strand). VCF-style: chr2-166051999-G-A. GRCh37 (hg19) VCF-style: chr2-166908509-G-A.
Other names: c.695-11C>T (NM_001353949.2, NM_001353958.2, NM_001353950.2 and 10 more transcripts); c.-1731-11C>T (NM_001353961.2).
Identifiers: ClinVar variation 518073 (VCV000518073.1), dbSNP rs1553550024, ClinGen allele CA658795932.

ClinVar aggregate classification (germline): Likely benign (1 of 4 stars; one submission).

Submission:

GeneDx
Classification: Likely benign. Last evaluated: 2017-06-09. Review status: criteria provided, single submitter. Criteria: GeneDx Variant Classification (06012015). Collection method: clinical testing. Allele origin: germline. Affected: yes.
Comment: This variant is considered likely benign or benign based on one or more of the following criteria: it is a conservative change, it occurs at a poorly conserved position in the protein, it is predicted to be benign by multiple in silico algorithms, and/or has population frequency not consistent with disease.